The following is an entry in ClinVar:

NM_001159699.2(FHL1):c.482_484dup (p.Gly161dup)

Gene: FHL1 (four and a half LIM domains 1; plus strand). Cytogenetic location: Xq26.3.
Variant type: Duplication.
Coding change: c.482_484dup on transcript NM_001159699.2 (MANE Select); coding-DNA positions 482 to 484, 3 bases duplicated (GGG; older notation c.482_484dupGGG).
Protein change: p.Gly161dup; duplicates glycine 161.
Molecular consequence: inframe insertion. On other transcripts: non-coding transcript variant (1).
Genome position (GRCh38, 1-based): chrX:136,207,894-136,207,896, GGG duplicated; duplicating any 3 consecutive bases within chrX:136,207,893-136,207,896 gives the same sequence; the c. name uses the placement nearest the transcript's 3' end. VCF-style (leftmost placement, unchanged base first): chrX-136207892-A-AGGG. GRCh37 (hg19) VCF-style: chrX-135290051-A-AGGG.
Other names: c.521_523dup, p.Gly174dup (NM_001159701.2); c.434_436dup, p.Gly145dup (NM_001159702.3, NM_001159703.2, NM_001159704.1 and 9 more transcripts); c.482_484dup, p.Gly161dup (NM_001330659.2); c.434_436dupGGG (NM_001159702.2, NM_001159702.3).
Identifiers: ClinVar variation 410318 (VCV000410318.10), dbSNP rs1314023088, ClinGen allele CA16616636.

ClinVar aggregate classification (germline): Uncertain significance. Review status: criteria provided, multiple submitters, no conflicts (2 of 4 stars). 3 submissions from 3 submitters: Uncertain significance (3). Last evaluated 2026-05-26.

Conditions:
FHL1-related disorder. Also called: FHL1-related disorders; FHL1-related condition.
X-linked myopathy with postural muscle atrophy. Also called: FHL1-Related Emery-Dreifuss Muscular Dystrophy, X-Linked. Identifiers: Orphanet 178461, MedGen C2678055, MONDO:0010401, OMIM 300696.

Submissions (3):

Women's Health and Genetics/Laboratory Corporation of America, LabCorp
Classification: Uncertain significance. Last evaluated: 2026-05-26. Review status: criteria provided, single submitter. Criteria: LabCorp Variant Classification Summary - May 2015. Collection method: clinical testing. Allele origin: germline.
Comment: Variant summary: FHL1 c.434_436dupGGG (p.Gly145dup) results in an in-frame duplication that is predicted to duplicate one amino acid into the encoded protein. The variant allele was found at a frequency of 5.5e-06 in 183454 control chromosomes (gnomAD). The available data on variant occurrences in the general population are insufficient to allow any conclusion about variant significance. To our knowledge, no occurrence of c.434_436dupGGG in individuals affected with FHL1-related conditions and no experimental evidence demonstrating its impact on protein function have been reported. ClinVar contains an entry for this variant (Variation ID: 410318). Based on the evidence outlined above, the variant was classified as uncertain significance.

PreventionGenetics, part of Exact Sciences
Classification: Uncertain significance for FHL1-related condition. Last evaluated: 2026-05-23. Review status: criteria provided, single submitter. Criteria: ACMG Guidelines, 2015. Collection method: clinical testing. Allele origin: germline.
Comment: The FHL1 c.434_436dupGGG variant is predicted to result in an in-frame duplication (p.Gly145dup). To our knowledge, this variant has not been reported in the literature. This variant is reported in 0.0022% of alleles in individuals of European (Non-Finnish) descent in gnomAD. At this time, the clinical significance of this variant is uncertain due to the absence of conclusive functional and genetic evidence.

Labcorp Genetics (formerly Invitae), Labcorp
Classification: Uncertain significance for X-linked myopathy with postural muscle atrophy. Last evaluated: 2026-01-20. Review status: criteria provided, single submitter. Criteria: Invitae Variant Classification Sherloc (09022015). Collection method: clinical testing. Allele origin: germline.
Comment: This variant, c.434_436dup, results in the insertion of 1 amino acid(s) of the FHL1 protein (p.Gly145dup), but otherwise preserves the integrity of the reading frame. This variant is present in population databases (no rsID available, gnomAD 0.002%). This variant has not been reported in the literature in individuals affected with FHL1-related conditions. ClinVar contains an entry for this variant (Variation ID: 410318). Experimental studies and prediction algorithms are not available or were not evaluated, and the functional significance of this variant is currently unknown. In summary, the available evidence is currently insufficient to determine the role of this variant in disease. Therefore, it has been classified as a Variant of Uncertain Significance.